The following is an entry in ClinVar:

ClinVar aggregate classification (germline): Uncertain significance. Review status: criteria provided, multiple submitters, no conflicts (2 of 4 stars). 2 submissions from 2 submitters: Uncertain significance (2). Last evaluated 2025-01-07.

Conditions:
Saldino-Mainzer syndrome (SRTD9). Also called: CONORENAL SYNDROME; Renal dysplasia, retinal pigmentary dystrophy, cerebellar ataxia and skeletal dysplasia; SHORT-RIB THORACIC DYSPLASIA 9 WITHOUT POLYDACTYLY; short-rib thoracic dysplasia 9 with or without polydactyly. Identifiers: Orphanet 140969, MedGen C1849437, MONDO:0009964, OMIM 266920.
Retinitis pigmentosa 80 (RP80). Identifiers: MedGen C4540439, MONDO:0054708, OMIM 617781.

Allele frequency attached by ClinVar (database versions not stated): gnomAD 0.00001.
gnomAD v4.1: 24 of 1,445,752 alleles (0.0017%); highest among the groups gnomAD compares: Non-Finnish European, 0.0022%; no homozygotes.

Submissions (2):

Labcorp Genetics (formerly Invitae), Labcorp
Classification: Uncertain significance for Saldino-Mainzer syndrome. Last evaluated: 2025-01-07. Review status: criteria provided, single submitter. Criteria: Invitae Variant Classification Sherloc (09022015). Collection method: clinical testing. Allele origin: germline.
Comment: This sequence change replaces methionine, which is neutral and non-polar, with leucine, which is neutral and non-polar, at codon 858 of the IFT140 protein (p.Met858Leu). This variant is present in population databases (no rsID available, gnomAD 0.001%). This variant has not been reported in the literature in individuals affected with IFT140-related conditions. ClinVar contains an entry for this variant (Variation ID: 2790026). Invitae Evidence Modeling of protein sequence and biophysical properties (such as structural, functional, and spatial information, amino acid conservation, physicochemical variation, residue mobility, and thermodynamic stability) indicates that this missense variant is not expected to disrupt IFT140 protein function with a negative predictive value of 95%. In summary, the available evidence is currently insufficient to determine the role of this variant in disease. Therefore, it has been classified as a Variant of Uncertain Significance.

Fulgent Genetics
Classification: Uncertain significance for Saldino-Mainzer syndrome; Retinitis pigmentosa 80. Last evaluated: 2024-03-22. Review status: criteria provided, single submitter. Criteria: ACMG Guidelines, 2015. Collection method: clinical testing. Allele origin: germline.

NM_014714.4(IFT140):c.2572A>T (p.Met858Leu)

Gene: IFT140 (intraflagellar transport 140; minus strand). Cytogenetic location: 16p13.3.
Variant type: single nucleotide variant.
Coding change: c.2572A>T on transcript NM_014714.4 (MANE Select); coding-DNA position 2572, A replaced by T.
Protein change: p.Met858Leu; replaces methionine 858 with leucine.
Molecular consequence: missense variant.
Genome position (GRCh38, 1-based): chr16:1,526,624, T>A on the plus strand (A>T on the coding strand, the complement: IFT140 is on the minus strand). VCF-style: chr16-1526624-T-A. GRCh37 (hg19) VCF-style: chr16-1576625-T-A.
Other names: short protein forms M858L.
Identifiers: ClinVar variation 2790026 (VCV002790026.4), dbSNP rs1293806378, ClinGen allele CA394227988.